The following is an entry in ClinVar:

ClinVar aggregate classification (germline): Uncertain significance (1 of 4 stars; one submission).

Submission:

Ambry Genetics
Classification: Uncertain significance. Last evaluated: 2025-12-28. Review status: criteria provided, single submitter. Criteria: Ambry Variant Classification Scheme 2023. Collection method: clinical testing. Allele origin: germline.
Comment: The p.K564Q variant (also known as c.1690A>C), located in coding exon 17 of the KIF1B gene, results from an A to C substitution at nucleotide position 1690. The lysine at codon 564 is replaced by glutamine, an amino acid with similar properties. This amino acid position is conserved. In addition, the in silico prediction for this alteration is inconclusive. Based on the available evidence, the clinical significance of this variant remains unclear.

NM_001365951.3(KIF1B):c.1828A>C (p.Lys610Gln)

Gene: KIF1B (kinesin family member 1B; plus strand). Cytogenetic location: 1p36.22.
Variant type: single nucleotide variant.
Coding change: c.1828A>C on transcript NM_001365951.3 (MANE Select); coding-DNA position 1828, A replaced by C.
Protein change: p.Lys610Gln; replaces lysine 610 with glutamine.
Molecular consequence: missense variant.
Genome position (GRCh38, 1-based): chr1:10,296,632, A>C. VCF-style: chr1-10296632-A-C. GRCh37 (hg19) VCF-style: chr1-10356690-A-C.
Other names: c.1828A>C, p.Lys610Gln (NM_001365952.1); c.1690A>C, p.Lys564Gln (NM_001365953.1, NM_015074.3, NM_183416.4); short protein forms K610Q, K564Q.
Identifiers: ClinVar variation 4841882 (VCV004841882.1).